The following is an entry in ClinVar:

NM_001378030.1(CCDC78):c.923G>A (p.Arg308His)

Gene: CCDC78 (coiled-coil domain containing 78; minus strand). Cytogenetic location: 16p13.3.
Variant type: single nucleotide variant.
Coding change: c.923G>A on transcript NM_001378030.1 (MANE Select); coding-DNA position 923, G replaced by A.
Protein change: p.Arg308His; replaces arginine 308 with histidine.
Molecular consequence: missense variant. On other transcripts: non-coding transcript variant (5).
Genome position (GRCh38, 1-based): chr16:724,352, C>T on the plus strand (G>A on the coding strand, the complement: CCDC78 is on the minus strand). VCF-style: chr16-724352-C-T. GRCh37 (hg19) VCF-style: chr16-774352-C-T.
Other names: c.923G>A, p.Arg308His (NM_001031737.3, NM_001378031.1); c.356G>A, p.Arg119His (NM_001378033.1); short protein forms R308H, R119H.
Identifiers: ClinVar variation 652705 (VCV000652705.11), dbSNP rs151049173, ClinGen allele CA7789351.

ClinVar aggregate classification (germline): Uncertain significance. Review status: criteria provided, multiple submitters, no conflicts (2 of 4 stars). 2 submissions from 2 submitters: Uncertain significance (2). Last evaluated 2025-10-15.

Conditions:
Congenital myopathy with internal nuclei and atypical cores. Also called: Myopathy, centronuclear, 4. Identifiers: Orphanet 319160, MedGen C4707232, MONDO:0013890, OMIM 614807.

Allele frequency attached by ClinVar (database versions not stated): gnomAD 0.00001 and 0.00002; TOPMed 0.00001; ExAC 0.00003; ESP Exome Variant Server 0.00008.
gnomAD v4.1: 16 of 1,612,080 alleles (0.00099%); highest among the groups gnomAD compares: African/African-American, 0.0053%; no homozygotes.

Submissions (2):

Labcorp Genetics (formerly Invitae), Labcorp
Classification: Uncertain significance for Congenital myopathy with internal nuclei and atypical cores. Last evaluated: 2025-10-15. Review status: criteria provided, single submitter. Criteria: Invitae Variant Classification Sherloc (09022015). Collection method: clinical testing. Allele origin: germline.
Comment: This sequence change replaces arginine, which is basic and polar, with histidine, which is basic and polar, at codon 308 of the CCDC78 protein (p.Arg308His). This variant is present in population databases (rs151049173, gnomAD 0.003%). This variant has not been reported in the literature in individuals affected with CCDC78-related conditions. ClinVar contains an entry for this variant (Variation ID: 652705). Invitae Evidence Modeling of protein sequence and biophysical properties (such as structural, functional, and spatial information, amino acid conservation, physicochemical variation, residue mobility, and thermodynamic stability) indicates that this missense variant is not expected to disrupt CCDC78 protein function with a negative predictive value of 80%. In summary, the available evidence is currently insufficient to determine the role of this variant in disease. Therefore, it has been classified as a Variant of Uncertain Significance.

Revvity Omics, Revvity
Classification: Uncertain significance for Congenital myopathy with internal nuclei and atypical cores. Last evaluated: 2021-10-21. Review status: criteria provided, single submitter. Criteria: ACMG Guidelines, 2015. Collection method: clinical testing. Allele origin: germline.